The following is an entry in ClinVar:

NM_001999.4(FBN2):c.5275A>C (p.Lys1759Gln)

Gene: FBN2 (fibrillin 2; minus strand). Cytogenetic location: 5q23.3.
Variant type: single nucleotide variant.
Coding change: c.5275A>C on transcript NM_001999.4 (MANE Select); coding-DNA position 5275, A replaced by C.
Protein change: p.Lys1759Gln; replaces lysine 1759 with glutamine.
Molecular consequence: missense variant.
Genome position (GRCh38, 1-based): chr5:128,309,325, T>G on the plus strand (A>C on the coding strand, the complement: FBN2 is on the minus strand). VCF-style: chr5-128309325-T-G. GRCh37 (hg19) VCF-style: chr5-127645017-T-G.
Other names: short protein forms K1759Q.
Identifiers: ClinVar variation 213337 (VCV000213337.21), dbSNP rs201113098, ClinGen allele CA323357.
Genomic context (GRCh38, chr5:128,309,325, plus strand): 5'-ATGGTTCACAAGGTTTGTTCCAGGCTTTGCCCACATTATATGTGCAGCAGCACATCCTTT[T>G]TGTCACATTGAAAGGCAACTCATTCTCACAAGTGGTTCCATTATAGCTTCGGTAGCAAAA-3'
Protein context (NP_001990.2, residues 1749-1769): CENELPFNVT[Lys1759Gln]RMCCCTYNVG

ClinVar aggregate classification (germline): Conflicting classifications of pathogenicity. Review status: criteria provided, conflicting classifications (1 of 4 stars). 4 submissions from 4 submitters: Uncertain significance (2); Likely benign (2). Last evaluated 2025-10-23.

Conditions:
Familial thoracic aortic aneurysm and aortic dissection (TAAD). Also called: Thoracic aortic aneurysms and dissections. Identifiers: Orphanet 91387, MedGen C4707243, MONDO:0019625.
Congenital contractural arachnodactyly (CCA). Also called: Beals-Hecht syndrome; BEALS SYNDROME; Arthrogryposis, distal, type 9. Identifiers: Orphanet 115, MedGen C0220668, MONDO:0007363, OMIM 121050.

Allele frequency attached by ClinVar (database versions not stated): ExAC 0.00008; ESP Exome Variant Server 0.00008; TOPMed 0.00008; gnomAD 0.00009.
gnomAD v4.1: 147 of 1,613,936 alleles (0.0091%); highest among the groups gnomAD compares: Non-Finnish European, 0.012%; no homozygotes.

Submissions (4):

Labcorp Genetics (formerly Invitae), Labcorp
Classification: Likely benign for Congenital contractural arachnodactyly. Last evaluated: 2025-10-23. Review status: criteria provided, single submitter. Criteria: Invitae Variant Classification Sherloc (09022015). Collection method: clinical testing. Allele origin: germline.

Ambry Genetics
Classification: Uncertain significance for Familial thoracic aortic aneurysm and aortic dissection. Last evaluated: 2024-04-22. Review status: criteria provided, single submitter. Criteria: Ambry Variant Classification Scheme 2023. Collection method: clinical testing. Allele origin: germline.
Comment: The p.K1759Q variant (also known as c.5275A>C), located in coding exon 41 of the FBN2 gene, results from an A to C substitution at nucleotide position 5275. The lysine at codon 1759 is replaced by glutamine, an amino acid with similar properties. This amino acid position is highly conserved in available vertebrate species. In addition, this alteration is predicted to be deleterious by in silico analysis. Since supporting evidence is limited at this time, the clinical significance of this alteration remains unclear.

Women's Health and Genetics/Laboratory Corporation of America, LabCorp
Classification: Likely benign. Last evaluated: 2024-01-08. Review status: criteria provided, single submitter. Criteria: LabCorp Variant Classification Summary - May 2015. Collection method: clinical testing. Allele origin: germline.

GeneDx
Classification: Uncertain significance. Last evaluated: 2023-03-09. Review status: criteria provided, single submitter. Criteria: GeneDx Variant Classification Process June 2021. Collection method: clinical testing. Allele origin: germline. Affected: yes.
Comment: In silico analysis supports that this missense variant does not alter protein structure/function; Does not affect a cysteine residue within a calcium-binding EGF-like domain of the FBN2 gene; cysteine substitutions in the calcium-binding EGF-like domains represent the majority of pathogenic missense changes associated with FBN2-related disorders (Collod-Beroud et al., 2003; Frederic et al., 2009).; Has not been previously published as pathogenic or benign to our knowledge